The following is an entry in ClinVar:

ClinVar aggregate classification (germline): Uncertain significance (1 of 4 stars; one submission).

Conditions:
Familial thoracic aortic aneurysm and aortic dissection (TAAD). Also called: Thoracic aortic aneurysms and dissections. Identifiers: Orphanet 91387, MedGen C4707243, MONDO:0019625.

Submission:

Ambry Genetics
Classification: Uncertain significance for Familial thoracic aortic aneurysm and aortic dissection. Last evaluated: 2026-09-12. Review status: criteria provided, single submitter. Criteria: Ambry Variant Classification Scheme 2023. Collection method: clinical testing. Allele origin: germline.
Comment: The p.R703S variant (also known as c.2107C>A), located in coding exon 16 of the FBN2 gene, results from a C to A substitution at nucleotide position 2107. The arginine at codon 703 is replaced by serine, an amino acid with dissimilar properties. This amino acid position is conserved. In addition, this alteration is predicted to be deleterious by in silico analysis. Based on the available evidence, the clinical significance of this variant remains unclear.

NM_001999.4(FBN2):c.2107C>A (p.Arg703Ser)

Gene: FBN2 (fibrillin 2; minus strand). Cytogenetic location: 5q23.3.
Variant type: single nucleotide variant.
Coding change: c.2107C>A on transcript NM_001999.4 (MANE Select); coding-DNA position 2107, C replaced by A.
Protein change: p.Arg703Ser; replaces arginine 703 with serine.
Molecular consequence: missense variant.
Genome position (GRCh38, 1-based): chr5:128,369,323, G>T on the plus strand (C>A on the coding strand, the complement: FBN2 is on the minus strand). VCF-style: chr5-128369323-G-T. GRCh37 (hg19) VCF-style: chr5-127705016-G-T.
Other names: short protein forms R703S.
Identifiers: ClinVar variation 5021611 (VCV005021611.1).